The following is an entry in ClinVar:

ClinVar aggregate classification (germline): Conflicting classifications of pathogenicity. Review status: criteria provided, conflicting classifications (1 of 4 stars). 5 submissions from 5 submitters: Uncertain significance (4); Likely benign (1). Last evaluated 2026-02-11.

Conditions:
Autosomal recessive nonsyndromic hearing loss 97. Also called: Deafness, autosomal recessive 97. Identifiers: Orphanet 90636, MedGen C4084709, MONDO:0014739, OMIM 616705.
Hereditary cancer-predisposing syndrome. Also called: Neoplastic Syndromes, Hereditary; Hereditary neoplastic syndrome; Tumor predisposition; Hereditary Cancer Syndrome. Identifiers: Orphanet 140162, MedGen C0027672, MeSH D009386, MONDO:0015356.
Papillary renal cell carcinoma type 1 (RCCP1). Also called: RENAL CELL CARCINOMA, PAPILLARY, 1, SOMATIC; Renal adenocarcinoma; Renal cell carcinoma 1; Renal cell carcinoma, somatic. Identifiers: Orphanet 47044, MedGen C1336839, OMIM 605074, HP:0011797.
Renal cell carcinoma. Identifiers: Orphanet 217071, MedGen C0007134, MeSH D002292, MONDO:0005086, HP:0005584.

Allele frequency attached by ClinVar (database versions not stated): TOPMed below 0.00001; gnomAD exomes 0.00001 and 0.00002; ExAC 0.00002.
gnomAD v4.1: 13 of 1,613,914 alleles (0.00081%); highest among the groups gnomAD compares: Admixed American, 0.005%; no homozygotes.

Submissions (5):

St. Jude Molecular Pathology, St. Jude Children's Research Hospital
Classification: Uncertain significance for Papillary renal cell carcinoma type 1. Last evaluated: 2026-02-11. Review status: criteria provided, single submitter. Criteria: St. Jude Assertion Criteria 2020. Collection method: clinical testing. Allele origin: germline.
Comment: The MET c.4114G>A p.(Ala1372Thr) missense change has a maximum subpopulation frequency of 0.006% in gnomAD v2.1.1. The in silico tool REVEL predicts a benign effect on protein function, but to our knowledge this prediction has not been confirmed by functional studies. To our knowledge, this variant has not been reported in the literature in individuals with hereditary papillary renal cell carcinoma. In summary, the evidence currently available is insufficient to determine the clinical significance of this variant. It has therefore been classified as of uncertain significance.

Labcorp Genetics (formerly Invitae), Labcorp
Classification: Uncertain significance for Renal cell carcinoma. Last evaluated: 2026-01-16. Review status: criteria provided, single submitter. Criteria: Invitae Variant Classification Sherloc (09022015). Collection method: clinical testing. Allele origin: germline.
Comment: This sequence change replaces alanine, which is neutral and non-polar, with threonine, which is neutral and polar, at codon 1372 of the MET protein (p.Ala1372Thr). This variant is present in population databases (rs761522694, gnomAD 0.006%). This missense change has been observed in individual(s) with clinical features of MET-related disease. (internal data). ClinVar contains an entry for this variant (Variation ID: 524851). Invitae Evidence Modeling of protein sequence and biophysical properties (such as structural, functional, and spatial information, amino acid conservation, physicochemical variation, residue mobility, and thermodynamic stability) indicates that this missense variant is not expected to disrupt MET protein function with a negative predictive value of 80%. In summary, the available evidence is currently insufficient to determine the role of this variant in disease. Therefore, it has been classified as a Variant of Uncertain Significance.

Ambry Genetics
Classification: Likely benign for Hereditary cancer-predisposing syndrome. Last evaluated: 2024-01-09. Review status: criteria provided, single submitter. Criteria: Ambry Variant Classification Scheme 2023. Collection method: clinical testing. Allele origin: germline.

GeneDx
Classification: Uncertain significance. Last evaluated: 2023-10-19. Review status: criteria provided, single submitter. Criteria: GeneDx Variant Classification Process June 2021. Collection method: clinical testing. Allele origin: germline. Affected: yes.
Comment: Not observed at significant frequency in large population cohorts (gnomAD); In silico analysis supports that this missense variant does not alter protein structure/function; Identified in an individual with congenital diaphragmatic hernia (Longoni et al., 2014); This variant is associated with the following publications: (PMID: 25107291)

Baylor Genetics
Classification: Uncertain significance for Autosomal recessive nonsyndromic hearing loss 97. Last evaluated: 2023-10-13. Review status: criteria provided, single submitter. Criteria: ACMG Guidelines, 2015. Collection method: clinical testing. Allele origin: unknown.

NM_000245.4(MET):c.4060G>A (p.Ala1354Thr)

Gene: MET (MET proto-oncogene, receptor tyrosine kinase; plus strand). Cytogenetic location: 7q31.2.
Variant type: single nucleotide variant.
Coding change: c.4060G>A on transcript NM_000245.4 (MANE Select); coding-DNA position 4060, G replaced by A.
Protein change: p.Ala1354Thr; replaces alanine 1354 with threonine.
Molecular consequence: missense variant.
Genome position (GRCh38, 1-based): chr7:116,796,011, G>A. VCF-style: chr7-116796011-G-A. GRCh37 (hg19) VCF-style: chr7-116436065-G-A.
Other names: c.4114G>A (LRG_662t1); c.4114G>A, p.Ala1372Thr (NM_001127500.3); c.2770G>A, p.Ala924Thr (NM_001324402.2); short protein forms A1372T, A1354T, A924T.
Identifiers: ClinVar variation 524851 (VCV000524851.16), dbSNP rs761522694, ClinGen allele CA4448821.